The following is an entry in ClinVar:

NM_024753.5(TTC21B):c.572G>A (p.Arg191His)

Genes: TTC21B-AS1 (TTC21B antisense RNA 1; plus strand), TTC21B (tetratricopeptide repeat domain 21B; minus strand). Cytogenetic location: 2q24.3.
Variant type: single nucleotide variant.
Coding change: c.572G>A on transcript NM_024753.5 (MANE Select); coding-DNA position 572, G replaced by A.
Protein change: p.Arg191His; replaces arginine 191 with histidine.
Molecular consequence: missense variant.
Genome position (GRCh38, 1-based): chr2:165,941,165, C>T on the plus strand (G>A on the coding strand, the complement: TTC21B is on the minus strand). VCF-style: chr2-165941165-C-T. GRCh37 (hg19) VCF-style: chr2-166797675-C-T.
Other names: short protein forms R191H.
Identifiers: ClinVar variation 967609 (VCV000967609.10), dbSNP rs781486283, ClinGen allele CA1942390.

ClinVar aggregate classification (germline): Uncertain significance. Review status: criteria provided, multiple submitters, no conflicts (2 of 4 stars). 3 submissions from 3 submitters: Uncertain significance (2). 1 of the submissions does not count toward it. Last evaluated 2024-06-08.

Conditions:
TTC21B-related disorder. Also called: TTC21B-related disorders; TTC21B-related condition.
Jeune thoracic dystrophy. Also called: Jeune syndrome; Infantile thoracic dystrophy; Thoracic pelvic phalangeal dystrophy; Jeune's syndrome; Chondroectodermal dysplasia-like syndrome; Short-rib thoracic dysplasia. Identifiers: Orphanet 474, MedGen C0265275, MONDO:0018770.
Nephronophthisis. Also called: Juvenile Nephronophthisis. Identifiers: Orphanet 655, MedGen C0687120, MONDO:0019005, HP:0000090.
Asphyxiating thoracic dystrophy 4 (SRTD4). Also called: SHORT-RIB THORACIC DYSPLASIA 4 WITH OR WITHOUT POLYDACTYLY; SHORT-RIB THORACIC DYSPLASIA 4. Identifiers: Orphanet 474, MedGen C3151185, MONDO:0013441, OMIM 613819.
Nephronophthisis 12 (NPHP12). Identifiers: Orphanet 655, MedGen C3151186, MONDO:0013442, OMIM 613820.

Allele frequency attached by ClinVar (database versions not stated): TOPMed 0.00001; gnomAD exomes 0.00002; ExAC 0.00001; gnomAD 0.00001.
gnomAD v4.1: 30 of 1,613,698 alleles (0.0019%); highest among the groups gnomAD compares: Admixed American, 0.012%; no homozygotes.

Submissions (3):

Labcorp Genetics (formerly Invitae), Labcorp
Classification: Uncertain significance for Jeune thoracic dystrophy; Nephronophthisis. Last evaluated: 2024-06-08. Review status: criteria provided, single submitter. Criteria: Invitae Variant Classification Sherloc (09022015). Collection method: clinical testing. Allele origin: germline.
Comment: This sequence change replaces arginine, which is basic and polar, with histidine, which is basic and polar, at codon 191 of the TTC21B protein (p.Arg191His). This variant is present in population databases (rs781486283, gnomAD 0.009%). This variant has not been reported in the literature in individuals affected with TTC21B-related conditions. ClinVar contains an entry for this variant (Variation ID: 967609). Advanced modeling of protein sequence and biophysical properties (such as structural, functional, and spatial information, amino acid conservation, physicochemical variation, residue mobility, and thermodynamic stability) performed at Invitae indicates that this missense variant is not expected to disrupt TTC21B protein function with a negative predictive value of 95%. In summary, the available evidence is currently insufficient to determine the role of this variant in disease. Therefore, it has been classified as a Variant of Uncertain Significance.

Fulgent Genetics
Classification: Uncertain significance for Asphyxiating thoracic dystrophy 4; Nephronophthisis 12. Last evaluated: 2022-01-07. Review status: criteria provided, single submitter. Criteria: ACMG Guidelines, 2015. Collection method: clinical testing. Allele origin: unknown.

PreventionGenetics, part of Exact Sciences
Classification: Uncertain significance for TTC21B-related condition. Last evaluated: 2024-09-23. Review status: no assertion criteria provided. Collection method: clinical testing. Allele origin: germline. Not counted in ClinVar's aggregate classification.
Comment: The TTC21B c.572G>A variant is predicted to result in the amino acid substitution p.Arg191His. To our knowledge, this variant has not been reported in the literature. This variant is reported in 0.0087% of alleles in individuals of Latino descent in gnomAD. At this time, the clinical significance of this variant is uncertain due to the absence of conclusive functional and genetic evidence.